The following is an entry in ClinVar:

ClinVar aggregate classification (germline): Uncertain significance (1 of 4 stars; one submission).

Conditions:
Intellectual developmental disorder, X-linked 1. Also called: Atkin Flaitz Patil Smith syndrome; Intellectual disability, X-linked 1; MENTAL RETARDATION, X-LINKED 18; MENTAL RETARDATION, X-LINKED 78. Identifiers: Orphanet 777, MedGen C2931498, MONDO:0010656, OMIM 309530.

Submission:

Labcorp Genetics (formerly Invitae), Labcorp
Classification: Uncertain significance for Intellectual developmental disorder, X-linked 1. Last evaluated: 2024-10-30. Review status: criteria provided, single submitter. Criteria: Invitae Variant Classification Sherloc (09022015). Collection method: clinical testing. Allele origin: germline.
Comment: This sequence change replaces glycine, which is neutral and non-polar, with arginine, which is basic and polar, at codon 492 of the IQSEC2 protein (p.Gly492Arg). This variant is not present in population databases (gnomAD no frequency). This variant has not been reported in the literature in individuals affected with IQSEC2-related conditions. ClinVar contains an entry for this variant (Variation ID: 1034964). Invitae Evidence Modeling of protein sequence and biophysical properties (such as structural, functional, and spatial information, amino acid conservation, physicochemical variation, residue mobility, and thermodynamic stability) indicates that this missense variant is not expected to disrupt IQSEC2 protein function with a negative predictive value of 95%. In summary, the available evidence is currently insufficient to determine the role of this variant in disease. Therefore, it has been classified as a Variant of Uncertain Significance.

NM_001111125.3(IQSEC2):c.1474G>A (p.Gly492Arg)

Gene: IQSEC2 (IQ motif and Sec7 domain ArfGEF 2; minus strand). Cytogenetic location: Xp11.22.
Variant type: single nucleotide variant.
Coding change: c.1474G>A on transcript NM_001111125.3 (MANE Select); coding-DNA position 1474, G replaced by A.
Protein change: p.Gly492Arg; replaces glycine 492 with arginine.
Molecular consequence: missense variant.
Genome position (GRCh38, 1-based): chrX:53,251,102, C>T on the plus strand (G>A on the coding strand, the complement: IQSEC2 is on the minus strand). VCF-style: chrX-53251102-C-T. GRCh37 (hg19) VCF-style: chrX-53280284-C-T.
Other names: c.859G>A, p.Gly287Arg (NM_015075.2); short protein forms G492R, G287R.
Identifiers: ClinVar variation 1034964 (VCV001034964.9), dbSNP rs2074383866, ClinGen allele CA413166356.